The following is an entry in ClinVar:

ClinVar aggregate classification (germline): Uncertain significance. Review status: criteria provided, multiple submitters, no conflicts (2 of 4 stars). 2 submissions from 2 submitters: Uncertain significance (2). Last evaluated 2025-08-14.

Conditions:
Cardiovascular phenotype. Identifiers: MedGen CN230736.
DiGeorge syndrome. Also called: Catch22; THIRD AND FOURTH PHARYNGEAL POUCH SYNDROME. Identifiers: Orphanet 567, MedGen C0012236, MONDO:0008564, OMIM 188400.

Allele frequency attached by ClinVar (database versions not stated): gnomAD exomes below 0.00001; gnomAD 0.00001; TOPMed 0.00001.
gnomAD v4.1: 5 of 1,502,444 alleles (0.00033%); highest among the groups gnomAD compares: African/African-American, 0.0059%; no homozygotes.

Submissions (2):

Labcorp Genetics (formerly Invitae), Labcorp
Classification: Uncertain significance for DiGeorge syndrome. Last evaluated: 2025-08-14. Review status: criteria provided, single submitter. Criteria: Invitae Variant Classification Sherloc (09022015). Collection method: clinical testing. Allele origin: germline.
Comment: This sequence change replaces asparagine, which is neutral and polar, with aspartic acid, which is acidic and polar, at codon 477 of the TBX1 protein (p.Asn477Asp). This variant is present in population databases (no rsID available, gnomAD 0.01%). This variant has not been reported in the literature in individuals affected with TBX1-related conditions. ClinVar contains an entry for this variant (Variation ID: 1772438). An algorithm developed to predict the effect of missense changes on protein structure and function (PolyPhen-2) suggests that this variant is likely to be disruptive. In summary, the available evidence is currently insufficient to determine the role of this variant in disease. Therefore, it has been classified as a Variant of Uncertain Significance.

Ambry Genetics
Classification: Uncertain significance for Cardiovascular phenotype. Last evaluated: 2022-07-06. Review status: criteria provided, single submitter. Criteria: Ambry Variant Classification Scheme 2023. Collection method: clinical testing. Allele origin: germline.
Comment: The p.N477D variant (also known as c.1429A>G), located in coding exon 8 of the TBX1 gene, results from an A to G substitution at nucleotide position 1429. The asparagine at codon 477 is replaced by aspartic acid, an amino acid with highly similar properties. This amino acid position is conserved. In addition, this alteration is predicted to be tolerated by in silico analysis. Since supporting evidence is limited at this time, the clinical significance of this alteration remains unclear.

NM_001379200.1(TBX1):c.1456A>G (p.Asn486Asp)

Gene: TBX1 (T-box transcription factor 1; plus strand). Cytogenetic location: 22q11.21.
Variant type: single nucleotide variant.
Coding change: c.1456A>G on transcript NM_001379200.1 (MANE Select); coding-DNA position 1456, A replaced by G.
Protein change: p.Asn486Asp; replaces asparagine 486 with aspartic acid.
Molecular consequence: missense variant. On other transcripts: intron variant (2).
Genome position (GRCh38, 1-based): chr22:19,766,808, A>G. VCF-style: chr22-19766808-A-G. GRCh37 (hg19) VCF-style: chr22-19754331-A-G.
Other names: c.1429A>G, p.Asn477Asp (NM_080647.1); c.1009+806A>G (NM_005992.1, NM_080646.2); short protein forms N477D, N486D.
Identifiers: ClinVar variation 1772438 (VCV001772438.4), dbSNP rs965925805, ClinGen allele CA322059056.